The following is an entry in ClinVar:

ClinVar aggregate classification (germline): Likely benign. Review status: criteria provided, multiple submitters, no conflicts (2 of 4 stars). 3 submissions from 3 submitters: Likely benign (2). 1 of the submissions does not count toward it. Last evaluated 2026-01-27.

Conditions:
IL6R-related disorder. Also called: IL6R-related condition.

Allele frequency attached by ClinVar (database versions not stated): 1000 Genomes Project 0.00040; 1000 Genomes Project 30x 0.00047; ESP Exome Variant Server 0.00185.
gnomAD v4.1: 3,710 of 1,613,498 alleles (0.23%); highest among the groups gnomAD compares: Non-Finnish European, 0.28%; 6 homozygotes.

Submissions (3):

Labcorp Genetics (formerly Invitae), Labcorp
Classification: Likely benign. Last evaluated: 2026-01-27. Review status: criteria provided, single submitter. Criteria: Invitae Variant Classification Sherloc (09022015). Collection method: clinical testing. Allele origin: germline.

Blueprint Genetics
Classification: Likely benign. Last evaluated: 2024-11-22. Review status: criteria provided, single submitter. Criteria: ACMG Guidelines, 2015. Collection method: clinical testing. Allele origin: germline.

PreventionGenetics, part of Exact Sciences
Classification: Likely benign for IL6R-related condition. Last evaluated: 2024-08-28. Review status: no assertion criteria provided. Collection method: clinical testing. Allele origin: germline. Not counted in ClinVar's aggregate classification.
Comment: This variant is classified as likely benign based on ACMG/AMP sequence variant interpretation guidelines (Richards et al. 2015 PMID: 25741868, with internal and published modifications).

NM_000565.4(IL6R):c.1135C>T (p.Leu379Phe)

Gene: IL6R (interleukin 6 receptor; plus strand). Cytogenetic location: 1q21.3.
Variant type: single nucleotide variant.
Coding change: c.1135C>T on transcript NM_000565.4 (MANE Select); coding-DNA position 1135, C replaced by T.
Protein change: p.Leu379Phe; replaces leucine 379 with phenylalanine.
Molecular consequence: missense variant. On other transcripts: intron variant (2).
Genome position (GRCh38, 1-based): chr1:154,454,556, C>T. VCF-style: chr1-154454556-C-T. GRCh37 (hg19) VCF-style: chr1-154427032-C-T.
Other names: c.1135C>T (NM_000565.3); c.1234C>T, p.Leu412Phe (NM_001382769.1); c.1228C>T, p.Leu410Phe (NM_001382770.1); c.1183C>T, p.Leu395Phe (NM_001382771.1); c.1129C>T, p.Leu377Phe (NM_001382772.1); c.775C>T, p.Leu259Phe (NM_001382774.1); c.1114+4576C>T (NM_001382773.1); c.1066+4576C>T (NM_181359.3); short protein forms L259F, L377F, L379F, L395F, L410F, L412F.
Identifiers: ClinVar variation 1146050 (VCV001146050.11), dbSNP rs28730735, ClinGen allele CA1129285.
Genomic context (GRCh38, chr1:154,454,556, plus strand): 5'-TCTTCTTCAGTACCACTGCCCACATTCCTGGTTGCTGGAGGGAGCCTGGCCTTCGGAACG[C>T]TCCTCTGCATTGCCATTGTTCTGAGGTGAGATGGGTCCCAGGGGATGGCCCTGTGGTGTT-3'
Protein context (NP_000556.1, residues 369-389): VAGGSLAFGT[Leu379Phe]LCIAIVLRFK